The following is an entry in ClinVar:

ClinVar aggregate classification (germline): Pathogenic (1 of 4 stars; one submission).

Submission:

GeneDx
Classification: Pathogenic. Last evaluated: 2016-09-27. Review status: criteria provided, single submitter. Criteria: GeneDx Variant Classification (06012015). Collection method: clinical testing. Allele origin: germline. Affected: yes.
Comment: The S803X nonsense variant in the EHMT1 gene is predicted to cause loss of normal protein function either through protein truncation or nonsense-mediated mRNA decay. It was not observed in approximately 6,500 individuals of European and African American ancestry in the NHLBI Exome Sequencing Project, indicating it is not a common benign variant in these populations. Additionally, other loss-of-function variants in EHMT1 have been reported in the Human Gene Mutation Database in association with Kleefstra syndrome (Stenson et al., 2014). Although the S803X pathogenic variant has not been reported previously to our knowledge

NM_024757.5(EHMT1):c.2408C>G (p.Ser803Ter)

Gene: EHMT1 (euchromatic histone lysine methyltransferase 1; plus strand). Cytogenetic location: 9q34.3.
Variant type: single nucleotide variant.
Coding change: c.2408C>G on transcript NM_024757.5 (MANE Select); coding-DNA position 2408, C replaced by G.
Protein change: p.Ser803Ter; replaces serine 803 with a stop codon.
Molecular consequence: nonsense.
Genome position (GRCh38, 1-based): chr9:137,790,873, C>G. VCF-style: chr9-137790873-C-G. GRCh37 (hg19) VCF-style: chr9-140685325-C-G.
Other names: c.2315C>G, p.Ser772Ter (NM_001354259.2); c.2387C>G, p.Ser796Ter (NM_001354263.2); short protein forms S803*, S772*, S796*.
Identifiers: ClinVar variation 280895 (VCV000280895.2), dbSNP rs886042018, ClinGen allele CA10603130.